The following is an entry in ClinVar:

NM_022765.4(MICAL1):c.1588G>A (p.Val530Ile)

Gene: MICAL1 (microtubule associated monooxygenase, calponin and LIM domain containing 1; minus strand). Cytogenetic location: 6q21.
Variant type: single nucleotide variant.
Coding change: c.1588G>A on transcript NM_022765.4 (MANE Select); coding-DNA position 1588, G replaced by A.
Protein change: p.Val530Ile; replaces valine 530 with isoleucine.
Molecular consequence: missense variant.
Genome position (GRCh38, 1-based): chr6:109,448,808, C>T on the plus strand (G>A on the coding strand, the complement: MICAL1 is on the minus strand). VCF-style: chr6-109448808-C-T. GRCh37 (hg19) VCF-style: chr6-109770011-C-T.
Other names: c.1330G>A, p.Val444Ile (NM_001159291.2); c.1645G>A, p.Val549Ile (NM_001286613.2); short protein forms V444I, V530I, V549I.
Identifiers: ClinVar variation 1931260 (VCV001931260.5), dbSNP rs1259676343, ClinGen allele CA365229256.

ClinVar aggregate classification (germline): Uncertain significance (1 of 4 stars; one submission).

Allele frequency attached by ClinVar (database versions not stated): TOPMed below 0.00001; gnomAD 0.00001; gnomAD exomes 0.00001.

Submission:

Labcorp Genetics (formerly Invitae), Labcorp
Classification: Uncertain significance. Last evaluated: 2025-10-29. Review status: criteria provided, single submitter. Criteria: Invitae Variant Classification Sherloc (09022015). Collection method: clinical testing. Allele origin: germline.
Comment: This sequence change replaces valine, which is neutral and non-polar, with isoleucine, which is neutral and non-polar, at codon 549 of the MICAL1 protein (p.Val549Ile). This variant is present in population databases (no rsID available, gnomAD 0.002%). This variant has not been reported in the literature in individuals affected with MICAL1-related conditions. ClinVar contains an entry for this variant (Variation ID: 1931260). An algorithm developed to predict the effect of missense changes on protein structure and function (PolyPhen-2) suggests that this variant is likely to be disruptive. In summary, the available evidence is currently insufficient to determine the role of this variant in disease. Therefore, it has been classified as a Variant of Uncertain Significance.